The following is an entry in ClinVar:

NM_002317.7(LOX):c.941G>T (p.Arg314Ile)

Genes: LOX (lysyl oxidase; minus strand), SRFBP1 (serum response factor binding protein 1; plus strand). Cytogenetic location: 5q23.1.
Variant type: single nucleotide variant.
Coding change: c.941G>T on transcript NM_002317.7 (MANE Select); coding-DNA position 941, G replaced by T.
Protein change: p.Arg314Ile; replaces arginine 314 with isoleucine.
Molecular consequence: missense variant.
Genome position (GRCh38, 1-based): chr5:122,074,107, C>A on the plus strand (G>T on the coding strand, the complement: LOX is on the minus strand). VCF-style: chr5-122074107-C-A. GRCh37 (hg19) VCF-style: chr5-121409802-C-A.
Other names: c.251G>T, p.Arg84Ile (NM_001178102.2); c.50G>T, p.Arg17Ile (NM_001317073.1); short protein forms R314I, R84I, R17I.
Identifiers: ClinVar variation 3684911 (VCV003684911.2).

ClinVar aggregate classification (germline): Uncertain significance (1 of 4 stars; one submission).

Submission:

Labcorp Genetics (formerly Invitae), Labcorp
Classification: Uncertain significance. Last evaluated: 2024-07-30. Review status: criteria provided, single submitter. Criteria: Invitae Variant Classification Sherloc (09022015). Collection method: clinical testing. Allele origin: germline.
Comment: This sequence change replaces arginine, which is basic and polar, with isoleucine, which is neutral and non-polar, at codon 314 of the LOX protein (p.Arg314Ile). This variant is not present in population databases (gnomAD no frequency). This variant has not been reported in the literature in individuals affected with LOX-related conditions. Advanced modeling of protein sequence and biophysical properties (such as structural, functional, and spatial information, amino acid conservation, physicochemical variation, residue mobility, and thermodynamic stability) performed at Invitae indicates that this missense variant is not expected to disrupt LOX protein function with a negative predictive value of 80%. In summary, the available evidence is currently insufficient to determine the role of this variant in disease. Therefore, it has been classified as a Variant of Uncertain Significance.